The following is an entry in ClinVar:

NM_000540.3(RYR1):c.2578-2A>G

Gene: RYR1 (ryanodine receptor 1; plus strand). Cytogenetic location: 19q13.2.
Variant type: single nucleotide variant.
Coding change: c.2578-2A>G on transcript NM_000540.3 (MANE Select); the canonical splice acceptor site of the intron before coding-DNA position 2578, A replaced by G.
Molecular consequence: splice acceptor variant.
Genome position (GRCh38, 1-based): chr19:38,463,421, A>G. VCF-style: chr19-38463421-A-G. GRCh37 (hg19) VCF-style: chr19-38954061-A-G.
Other names: c.2578-2A>G (NM_001042723.2).
Identifiers: ClinVar variation 3075935 (VCV003075935.1), dbSNP rs2514073477, ClinGen allele CA405631644.

ClinVar aggregate classification (germline): Likely pathogenic (1 of 4 stars; one submission).

Conditions:
Central core myopathy (CMYO1A). Also called: CONGENITAL MYOPATHY 1A, AUTOSOMAL DOMINANT, WITH SUSCEPTIBILITY TO MALIGNANT HYPERTHERMIA; Central core disease; Myopathy, central fibrillar. Identifiers: Orphanet 597, MedGen C5830701, MONDO:0007294, OMIM 117000.

Allele frequency attached by ClinVar (database versions not stated): gnomAD exomes below 0.00001.
gnomAD v4.1: 1 of 1,613,726 alleles (0.000062%); highest among the groups gnomAD compares: Non-Finnish European, 0.000085%; no homozygotes.

Submission:

Laboratory for Molecular Medicine, Mass General Brigham Personalized Medicine
Classification: Likely pathogenic for Central core myopathy. Last evaluated: 2023-02-02. Review status: criteria provided, single submitter. Criteria: ACMG Guidelines, 2015. Collection method: clinical testing. Allele origin: germline.
Comment: The c.2578-2A>G variant in RYR1 has not been previously reported in individuals with myopath and was absent from large population studies. This variant occurs within the canonical splice site (+/- 1,2) and is predicted to cause altered splicing leading to an abnormal or absent protein. Loss of function of the RYR1 gene is an established disease mechanism in autosomal recessive RYR1 related myopathy. In summary, although additional studies are required to fully establish its clinical significance, this variant meets criteria to be classified as likely pathogenic for autosomal recessive RYR1-related myopathy. ACMG/AMP criteria applied: PVS1_Strong, PM2_Supporting.